The following is an entry in ClinVar:

ClinVar aggregate classification (germline): Conflicting classifications of pathogenicity. Review status: criteria provided, conflicting classifications (1 of 4 stars). 4 submissions from 4 submitters: Uncertain significance (1); Benign (1); Likely benign (2). Last evaluated 2026-07-13.

Conditions:
Intellectual disability, autosomal dominant 16 (CSS4). Also called: COFFIN-SIRIS SYNDROME 4. Identifiers: Orphanet 1465, MedGen C3553249, MONDO:0013821, OMIM 614609.
Hereditary cancer-predisposing syndrome. Also called: Hereditary Cancer Syndrome; Hereditary neoplastic syndrome; Neoplastic Syndromes, Hereditary; Tumor predisposition. Identifiers: Orphanet 140162, MedGen C0027672, MeSH D009386, MONDO:0015356.
Rhabdoid tumor predisposition syndrome 2 (RTPS2). Identifiers: Orphanet 231108, Orphanet 69077, MedGen C2750074, MONDO:0013224, OMIM 613325.

Allele frequency attached by ClinVar (database versions not stated): TOPMed 0.00001; gnomAD exomes below 0.00001 and 0.00001; gnomAD 0.00002 and 0.00003; 1000 Genomes Project 30x 0.00016; 1000 Genomes Project 0.00020; ExAC 0.00002.
gnomAD v4.1: 10 of 1,613,722 alleles (0.00062%); highest among the groups gnomAD compares: East Asian, 0.0067%; no homozygotes.

Submissions (4):

Myriad Genetics, Inc.
Classification: Benign for Rhabdoid tumor predisposition syndrome 2. Last evaluated: 2026-07-13. Review status: criteria provided, single submitter. Criteria: Myriad Autosomal Dominant, Autosomal Recessive and X-Linked Classification Criteria (2023). Collection method: clinical testing. Allele origin: unknown.
Comment: This variant is considered benign. This variant is a silent/synonymous amino acid change and it is not expected to impact splicing.

Labcorp Genetics (formerly Invitae), Labcorp
Classification: Likely benign for Rhabdoid tumor predisposition syndrome 2. Last evaluated: 2026-01-21. Review status: criteria provided, single submitter. Criteria: Invitae Variant Classification Sherloc (09022015). Collection method: clinical testing. Allele origin: germline.

Ambry Genetics
Classification: Likely benign for Hereditary cancer-predisposing syndrome. Last evaluated: 2022-06-21. Review status: criteria provided, single submitter. Criteria: Ambry Variant Classification Scheme 2023. Collection method: clinical testing. Allele origin: germline.

Genome-Nilou Lab
Classification: Uncertain significance for Intellectual disability, autosomal dominant 16. Last evaluated: 2021-07-15. Review status: criteria provided, single submitter. Criteria: ACMG Guidelines, 2015. Collection method: clinical testing. Allele origin: germline. Affected: no.

NM_003072.5(SMARCA4):c.2730G>A (p.Thr910=)

Gene: SMARCA4 (SWI/SNF related BAF chromatin remodeling complex subunit ATPase 4; plus strand). Cytogenetic location: 19p13.2.
Variant type: single nucleotide variant.
Coding change: c.2730G>A on transcript NM_003072.5 (MANE Select); coding-DNA position 2730, G replaced by A.
Protein change: p.Thr910=; no amino-acid change (threonine 910 retained).
Molecular consequence: synonymous variant. On other transcripts: non-coding transcript variant (1).
Genome position (GRCh38, 1-based): chr19:11,021,838, G>A. VCF-style: chr19-11021838-G-A. GRCh37 (hg19) VCF-style: chr19-11132514-G-A.
Other names: c.2730G>A, p.Thr910= (NM_001128844.3, NM_001128845.2, NM_001128846.2 and 5 more transcripts).
Identifiers: ClinVar variation 470318 (VCV000470318.17), dbSNP rs200258214, ClinGen allele CA9204218.
Genomic context (GRCh38, chr19:11,021,838, plus strand): 5'-CTGCAAGCTGACGCAGGTGCTCAACACGCACTATGTGGCACCCCGCCGCCTGCTGCTGAC[G>A]GGCACACCGCTGCAGAACAAGCTTCCCGAGCTCTGGGCGCTGCTCAACTTCCTGCTGCCC-3'
Protein context (NP_003063.2, residues 900-920): HYVAPRRLLL[Thr910=]GTPLQNKLPE